The following is an entry in ClinVar:

ClinVar aggregate classification (germline): Uncertain significance (1 of 4 stars; one submission).

Conditions:
Catecholaminergic polymorphic ventricular tachycardia 1. Also called: VENTRICULAR TACHYCARDIA, CATECHOLAMINERGIC POLYMORPHIC, 1, WITH OR WITHOUT ATRIAL DYSFUNCTION AND/OR DILATED CARDIOMYOPATHY; RYR2-Related Catecholaminergic Polymorphic Ventricular Tachycardia; VENTRICULAR TACHYCARDIA, STRESS-INDUCED POLYMORPHIC 1. Identifiers: Orphanet 3286, MedGen C1631597, MONDO:0011484, OMIM 604772.

Submission:

Labcorp Genetics (formerly Invitae), Labcorp
Classification: Uncertain significance for Catecholaminergic polymorphic ventricular tachycardia 1. Last evaluated: 2026-02-03. Review status: criteria provided, single submitter. Criteria: Invitae Variant Classification Sherloc (09022015). Collection method: clinical testing. Allele origin: germline.
Comment: This sequence change replaces threonine, which is neutral and polar, with alanine, which is neutral and non-polar, at codon 1958 of the RYR2 protein (p.Thr1958Ala). This variant is not present in population databases (gnomAD no frequency). This variant has not been reported in the literature in individuals affected with RYR2-related conditions. Invitae Evidence Modeling of protein sequence and biophysical properties (such as structural, functional, and spatial information, amino acid conservation, physicochemical variation, residue mobility, and thermodynamic stability) indicates that this missense variant is not expected to disrupt RYR2 protein function with a negative predictive value of 95%. In summary, the available evidence is currently insufficient to determine the role of this variant in disease. Therefore, it has been classified as a Variant of Uncertain Significance.

NM_001035.3(RYR2):c.5872A>G (p.Thr1958Ala)

Gene: RYR2 (ryanodine receptor 2; plus strand). Cytogenetic location: 1q43.
Variant type: single nucleotide variant.
Coding change: c.5872A>G on transcript NM_001035.3 (MANE Select); coding-DNA position 5872, A replaced by G.
Protein change: p.Thr1958Ala; replaces threonine 1958 with alanine.
Molecular consequence: missense variant.
Genome position (GRCh38, 1-based): chr1:237,617,442, A>G. VCF-style: chr1-237617442-A-G. GRCh37 (hg19) VCF-style: chr1-237780742-A-G.
Other names: short protein forms T1958A.
Identifiers: ClinVar variation 4750076 (VCV004750076.1).